The following is an entry in ClinVar:

NM_001844.5(COL2A1):c.3510_3554dup (p.Pro1186_Pro1187insSerGlyLysAspGlyAlaAsnGlyIleProGlyProIleGlyPro)

Gene: COL2A1 (collagen type II alpha 1 chain; minus strand). Cytogenetic location: 12q13.11.
Variant type: Duplication.
Coding change: c.3510_3554dup on transcript NM_001844.5 (MANE Select); coding-DNA positions 3510 to 3554, 45 bases duplicated.
Protein change: p.Pro1186_Pro1187insSerGlyLysAspGlyAlaAsnGlyIleProGlyProIleGlyPro.
Molecular consequence: inframe insertion.
Genome position (GRCh38, 1-based): chr12:47,976,006-47,976,050, 45 bases duplicated; duplicating any 45 consecutive bases within chr12:47,976,006-47,976,052 gives the same sequence; the c. name uses the placement nearest the transcript's 3' end. GRCh37 (hg19): chr12:48,369,791-48,369,835.
Other names: c.3303_3347dup, p.Pro1117_Pro1118insSerGlyLysAspGlyAlaAsnGlyIleProGlyProIleGlyPro (NM_033150.3).
Identifiers: ClinVar variation 17354 (VCV000017354.4), dbSNP rs2136514302, ClinGen allele CA2580085683.

ClinVar aggregate classification (germline): Uncertain significance. Review status: criteria provided, single submitter (1 of 4 stars). 2 submissions from 2 submitters: Uncertain significance (1). 1 of the submissions does not count toward it. Last evaluated 2024-08-14.

Conditions:
Spondyloepiphyseal dysplasia congenita (SEDC). Also called: SED CONGENITA; SPONDYLOEPIPHYSEAL DYSPLASIA, CONGENITAL TYPE. Identifiers: Orphanet 94068, MedGen C2745959, MONDO:0008471, OMIM 183900.

Submissions (2):

Labcorp Genetics (formerly Invitae), Labcorp
Classification: Uncertain significance. Last evaluated: 2024-08-14. Review status: criteria provided, single submitter. Criteria: Invitae Variant Classification Sherloc (09022015). Collection method: clinical testing. Allele origin: germline.
Comment: This variant, c.3510_3554dup, results in the insertion of 15 amino acid(s) of the COL2A1 protein (p.Ser1172_Pro1186dup), but otherwise preserves the integrity of the reading frame. This variant is not present in population databases (gnomAD no frequency). This variant has not been reported in the literature in individuals affected with COL2A1-related conditions. ClinVar contains an entry for this variant (Variation ID: 17354). Experimental studies and prediction algorithms are not available or were not evaluated, and the functional significance of this variant is currently unknown. In summary, the available evidence is currently insufficient to determine the role of this variant in disease. Therefore, it has been classified as a Variant of Uncertain Significance.

OMIM
Classification: Pathogenic for SPONDYLOEPIPHYSEAL DYSPLASIA CONGENITA. Last evaluated: 1990-05-01. Review status: no assertion criteria provided. Collection method: literature only. Allele origin: germline. Not counted in ClinVar's aggregate classification.

Literature cited by the submitters: PubMed 2339128 (cited by OMIM).